The following is an entry in ClinVar:

ClinVar aggregate classification (germline): Likely benign (1 of 4 stars; one submission).

Allele frequency attached by ClinVar (database versions not stated): ESP Exome Variant Server 0.00009; gnomAD 0.00014; TOPMed 0.00014; ExAC 0.00020; 1000 Genomes Project 30x 0.00021; 1000 Genomes Project 0.00026.
gnomAD v4.1: 146 of 1,185,687 alleles (0.012%); highest among the groups gnomAD compares: Admixed American, 0.06%; no homozygotes.

Submission:

CeGaT Center for Human Genetics Tuebingen
Classification: Likely benign. Last evaluated: 2022-09-01. Review status: criteria provided, single submitter. Criteria: CeGaT Center For Human Genetics Tuebingen Variant Classification Criteria Version 2. Collection method: clinical testing. Allele origin: germline. Affected: yes. Observed: 1 variant allele.
Comment: PLXNB3: BP4, BP7

NM_005393.3(PLXNB3):c.1095C>T (p.Pro365=)

Gene: PLXNB3 (plexin B3; plus strand). Cytogenetic location: Xq28.
Variant type: single nucleotide variant.
Coding change: c.1095C>T on transcript NM_005393.3 (MANE Select); coding-DNA position 1095, C replaced by T.
Protein change: p.Pro365=; no amino-acid change (proline 365 retained).
Molecular consequence: synonymous variant.
Genome position (GRCh38, 1-based): chrX:153,768,257, C>T. VCF-style: chrX-153768257-C-T. GRCh37 (hg19) VCF-style: chrX-153033712-C-T.
Other names: c.1164C>T, p.Pro388= (NM_001163257.2).
Identifiers: ClinVar variation 2661720 (VCV002661720.24), dbSNP rs367873902, ClinGen allele CA10550684.